The following is an entry in ClinVar:

ClinVar aggregate classification (germline): Likely benign (1 of 4 stars; one submission).

Allele frequency attached by ClinVar (database versions not stated): gnomAD exomes 0.00077; gnomAD 0.00687 and 0.00734; TOPMed 0.00795; 1000 Genomes Project 0.00938; 1000 Genomes Project 30x 0.01031.
gnomAD v4.1: 1,523 of 744,796 alleles (0.2%); highest among the groups gnomAD compares: African/African-American, 2.4%; 19 homozygotes.

Submission:

GeneDx
Classification: Likely benign. Last evaluated: 2018-06-14. Review status: criteria provided, single submitter. Criteria: GeneDx Variant Classification (06012015). Collection method: clinical testing. Allele origin: germline. Affected: yes.
Comment: This variant is considered likely benign or benign based on one or more of the following criteria: it is a conservative change, it occurs at a poorly conserved position in the protein, it is predicted to be benign by multiple in silico algorithms, and/or has population frequency not consistent with disease.

NM_001267550.2(TTN):c.30224-147A>G

Gene: TTN (titin; minus strand). Cytogenetic location: 2q31.2.
Variant type: single nucleotide variant.
Coding change: c.30224-147A>G on transcript NM_001267550.2 (MANE Select); 147 bases into the intron before coding-DNA position 30224, A replaced by G.
Molecular consequence: intron variant.
Genome position (GRCh38, 1-based): chr2:178,702,810, T>C on the plus strand (A>G on the coding strand, the complement: TTN is on the minus strand). VCF-style: chr2-178702810-T-C. GRCh37 (hg19) VCF-style: chr2-179567537-T-C.
Other names: c.13282+35272A>G (NM_003319.4); c.13858+35272A>G (NM_133437.4); c.13657+35272A>G (NM_133432.3); c.26492-147A>G (NM_133378.4); c.29273-147A>G (NM_001256850.1).
Identifiers: ClinVar variation 675380 (VCV000675380.1), dbSNP rs115315514, ClinGen allele CA60998359.
Genomic context (GRCh38, chr2:178,702,810, plus strand): 5'-CATCTTTGTACCCAGTTATAAAATAGCAAGAAAAGTTCAAAAATCCAAAATGAGAAGAAA[T>C]GCACTCTTCTTTGCATCACTAACAAAAAAGTATCCCAATTCTTAAGTGTATTCATGCTGG-3'